The following is an entry in ClinVar:

NM_213720.3(CHCHD10):c.221G>A (p.Ser74Asn)

Gene: CHCHD10 (coiled-coil-helix-coiled-coil-helix domain containing 10; minus strand). Cytogenetic location: 22q11.23.
Variant type: single nucleotide variant.
Coding change: c.221G>A on transcript NM_213720.3 (MANE Select); coding-DNA position 221, G replaced by A.
Protein change: p.Ser74Asn; replaces serine 74 with asparagine.
Molecular consequence: missense variant. On other transcripts: non-coding transcript variant (1).
Genome position (GRCh38, 1-based): chr22:23,767,414, C>T on the plus strand (G>A on the coding strand, the complement: CHCHD10 is on the minus strand). VCF-style: chr22-23767414-C-T. GRCh37 (hg19) VCF-style: chr22-24109601-C-T.
Other names: c.221G>A, p.Ser74Asn (NM_001301339.2); short protein forms S74N.
Identifiers: ClinVar variation 1950101 (VCV001950101.5), dbSNP rs1334073322, ClinGen allele CA410916018.

ClinVar aggregate classification (germline): Uncertain significance (1 of 4 stars; one submission).

Conditions:
Lower motor neuron syndrome with late-adult onset (SMAJ). Also called: Spinal muscular atrophy, Jokela type; Late-Onset Spinal Motor Neuronopathy (SMAJ). Identifiers: Orphanet 276435, MedGen C3554398, MONDO:0014025, OMIM 615048.
Frontotemporal dementia and/or amyotrophic lateral sclerosis 2. Also called: FTDALS2. Identifiers: Orphanet 275872, MedGen C4014648, MONDO:0014395, OMIM 615911.
Autosomal dominant mitochondrial myopathy with exercise intolerance (IMMD). Also called: Myopathy, isolated mitochondrial, autosomal dominant. Identifiers: Orphanet 457050, MedGen C4015513, MONDO:0014532, OMIM 616209.

Allele frequency attached by ClinVar (database versions not stated): gnomAD 0.00001.
gnomAD v4.1: 1 of 1,607,972 alleles (0.000062%); highest among the groups gnomAD compares: Non-Finnish European, 0.000085%; no homozygotes.

Submission:

Labcorp Genetics (formerly Invitae), Labcorp
Classification: Uncertain significance for Lower motor neuron syndrome with late-adult onset; Frontotemporal dementia and/or amyotrophic lateral sclerosis 2; Autosomal dominant mitochondrial myopathy with exercise intolerance. Last evaluated: 2022-06-22. Review status: criteria provided, single submitter. Criteria: Invitae Variant Classification Sherloc (09022015). Collection method: clinical testing. Allele origin: germline.
Comment: In summary, the available evidence is currently insufficient to determine the role of this variant in disease. Therefore, it has been classified as a Variant of Uncertain Significance. Algorithms developed to predict the effect of missense changes on protein structure and function are either unavailable or do not agree on the potential impact of this missense change (SIFT: "Tolerated"; PolyPhen-2: "Possibly Damaging"; Align-GVGD: "Class C0"). This variant has not been reported in the literature in individuals affected with CHCHD10-related conditions. This variant is present in population databases (no rsID available, gnomAD 0.007%). This sequence change replaces serine, which is neutral and polar, with asparagine, which is neutral and polar, at codon 74 of the CHCHD10 protein (p.Ser74Asn).